The following is an entry in ClinVar:

ClinVar aggregate classification (germline): Uncertain significance (0 of 4 stars; one submission).

Conditions:
KIDINS220-related disorder. Also called: KIDINS220-related condition.

gnomAD v4.1: 1 of 1,605,016 alleles (0.000062%); highest among the groups gnomAD compares: Non-Finnish European, 0.000085%; no homozygotes.

Submission:

PreventionGenetics, part of Exact Sciences
Classification: Uncertain significance for KIDINS220-related condition. Last evaluated: 2023-11-16. Review status: no assertion criteria provided. Collection method: clinical testing. Allele origin: germline.
Comment: The KIDINS220 c.2987T>C variant is predicted to result in the amino acid substitution p.Met996Thr. To our knowledge, this variant has not been reported in the literature or in a large population database, indicating this variant is rare. At this time, the clinical significance of this variant is uncertain due to the absence of conclusive functional and genetic evidence.

NM_020738.4(KIDINS220):c.2987T>C (p.Met996Thr)

Gene: KIDINS220 (kinase D interacting substrate 220; minus strand). Cytogenetic location: 2p25.1.
Variant type: single nucleotide variant.
Coding change: c.2987T>C on transcript NM_020738.4 (MANE Select); coding-DNA position 2987, T replaced by C.
Protein change: p.Met996Thr; replaces methionine 996 with threonine.
Molecular consequence: missense variant. On other transcripts: non-coding transcript variant (2).
Genome position (GRCh38, 1-based): chr2:8,770,694, A>G on the plus strand (T>C on the coding strand, the complement: KIDINS220 is on the minus strand). VCF-style: chr2-8770694-A-G. GRCh37 (hg19) VCF-style: chr2-8910824-A-G.
Other names: c.2990T>C, p.Met997Thr (NM_001348729.2, NM_001348731.2, NM_001348734.2 and 3 more transcripts); c.2987T>C, p.Met996Thr (NM_001348732.2, NM_001348735.2, NM_001348738.2 and 3 more transcripts); c.2861T>C, p.Met954Thr (NM_001348736.2); short protein forms M954T, M996T, M997T.
Identifiers: ClinVar variation 3348609 (VCV003348609.1).